The following is an entry in ClinVar:

ClinVar aggregate classification (germline): Uncertain significance. Review status: criteria provided, multiple submitters, no conflicts (2 of 4 stars). 3 submissions from 3 submitters: Uncertain significance (3). Last evaluated 2024-01-24.

Conditions:
Inborn genetic diseases. Identifiers: MedGen C0950123, MeSH D030342.

Allele frequency attached by ClinVar (database versions not stated): gnomAD exomes 0.00003 and 0.00010; ESP Exome Variant Server 0.00008; ExAC 0.00013; gnomAD 0.00027; TOPMed 0.00028.

Submissions (3):

Ambry Genetics
Classification: Uncertain significance for Inborn genetic diseases. Last evaluated: 2024-01-24. Review status: criteria provided, single submitter. Criteria: Ambry Variant Classification Scheme 2023. Collection method: clinical testing. Allele origin: germline.

Labcorp Genetics (formerly Invitae), Labcorp
Classification: Uncertain significance. Last evaluated: 2024-01-24. Review status: criteria provided, single submitter. Criteria: Invitae Variant Classification Sherloc (09022015). Collection method: clinical testing. Allele origin: germline.
Comment: This sequence change replaces isoleucine, which is neutral and non-polar, with valine, which is neutral and non-polar, at codon 32 of the SEPSECS protein (p.Ile32Val). This variant is present in population databases (rs369863497, gnomAD 0.08%). This variant has not been reported in the literature in individuals affected with SEPSECS-related conditions. ClinVar contains an entry for this variant (Variation ID: 1338950). Advanced modeling of protein sequence and biophysical properties (such as structural, functional, and spatial information, amino acid conservation, physicochemical variation, residue mobility, and thermodynamic stability) performed at Invitae indicates that this missense variant is not expected to disrupt SEPSECS protein function with a negative predictive value of 80%. In summary, the available evidence is currently insufficient to determine the role of this variant in disease. Therefore, it has been classified as a Variant of Uncertain Significance.

GeneDx
Classification: Uncertain significance. Last evaluated: 2022-01-31. Review status: criteria provided, single submitter. Criteria: GeneDx Variant Classification Process June 2021. Collection method: clinical testing. Allele origin: germline. Affected: yes.
Comment: In silico analysis supports that this missense variant does not alter protein structure/function; Has not been previously published as pathogenic or benign to our knowledge

NM_016955.4(SEPSECS):c.94A>G (p.Ile32Val)

Genes: SEPSECS (Sep (O-phosphoserine) tRNA:Sec (selenocysteine) tRNA synthase; minus strand), LOC129992330 (ATAC-STARR-seq lymphoblastoid silent region 15319; plus strand). Cytogenetic location: 4p15.2.
Variant type: single nucleotide variant.
Coding change: c.94A>G on transcript NM_016955.4 (MANE Select); coding-DNA position 94, A replaced by G.
Protein change: p.Ile32Val; replaces isoleucine 32 with valine.
Molecular consequence: missense variant.
Genome position (GRCh38, 1-based): chr4:25,160,276, T>C on the plus strand (A>G on the coding strand, the complement: SEPSECS is on the minus strand). VCF-style: chr4-25160276-T-C. GRCh37 (hg19) VCF-style: chr4-25161898-T-C.
Other names: short protein forms I32V.
Identifiers: ClinVar variation 1338950 (VCV001338950.5), dbSNP rs369863497, ClinGen allele CA2877567.